The following is an entry in ClinVar:

NM_198859.4(PRICKLE2):c.1994T>C (p.Met665Thr)

Genes: PRICKLE2 (prickle planar cell polarity protein 2; minus strand), PRICKLE2-AS1 (PRICKLE2 antisense RNA 1; plus strand). Cytogenetic location: 3p14.1.
Variant type: single nucleotide variant.
Coding change: c.1994T>C on transcript NM_198859.4 (MANE Select); coding-DNA position 1994, T replaced by C.
Protein change: p.Met665Thr; replaces methionine 665 with threonine.
Molecular consequence: missense variant. On other transcripts: non-coding transcript variant (1).
Genome position (GRCh38, 1-based): chr3:64,099,592, A>G on the plus strand (T>C on the coding strand, the complement: PRICKLE2 is on the minus strand). VCF-style: chr3-64099592-A-G. GRCh37 (hg19) VCF-style: chr3-64085268-A-G.
Other names: c.1994T>C, p.Met665Thr (NM_001370528.1); short protein forms M665T.
Identifiers: ClinVar variation 544243 (VCV000544243.11), dbSNP rs200223474, ClinGen allele CA2479510.
Genomic context (GRCh38, chr3:64,099,592, plus strand): 5'-TGAGGTCGGAAACGGCGGTTGTCGTCGCGTGAAGTAGCTCTTCTCCGGGTGCGTTCACTC[A>G]TGGGCTGGATCCTCACGCCCTCCTGCCCTGGCAGCTTGCTGCCCGCCATCCCTCCATCAA-3'
Protein context (NP_942559.1, residues 655-675): PGQEGVRIQP[Met665Thr]SERTRRRATS

ClinVar aggregate classification (germline): Uncertain significance. Review status: criteria provided, multiple submitters, no conflicts (2 of 4 stars). 3 submissions from 3 submitters: Uncertain significance (3). Last evaluated 2025-05-25.

Conditions:
Progressive myoclonic epilepsy type 5. Identifiers: Orphanet 402082, MedGen C5190799.

Allele frequency attached by ClinVar (database versions not stated): gnomAD 0.00002; ExAC 0.00003; gnomAD exomes 0.00003 and 0.00007; TOPMed 0.00004.
gnomAD v4.1: 108 of 1,613,734 alleles (0.0067%); highest among the groups gnomAD compares: Non-Finnish European, 0.0086%; no homozygotes.

Submissions (3):

Labcorp Genetics (formerly Invitae), Labcorp
Classification: Uncertain significance for Progressive myoclonic epilepsy type 5. Last evaluated: 2025-05-25. Review status: criteria provided, single submitter. Criteria: Invitae Variant Classification Sherloc (09022015). Collection method: clinical testing. Allele origin: germline.
Comment: This sequence change replaces methionine, which is neutral and non-polar, with threonine, which is neutral and polar, at codon 665 of the PRICKLE2 protein (p.Met665Thr). This variant is present in population databases (rs200223474, gnomAD 0.01%). This variant has not been reported in the literature in individuals affected with PRICKLE2-related conditions. ClinVar contains an entry for this variant (Variation ID: 544243). Invitae Evidence Modeling of protein sequence and biophysical properties (such as structural, functional, and spatial information, amino acid conservation, physicochemical variation, residue mobility, and thermodynamic stability) indicates that this missense variant is not expected to disrupt PRICKLE2 protein function with a negative predictive value of 80%. In summary, the available evidence is currently insufficient to determine the role of this variant in disease. Therefore, it has been classified as a Variant of Uncertain Significance.

ARUP Laboratories, Molecular Genetics and Genomics, ARUP Laboratories
Classification: Uncertain significance. Last evaluated: 2025-05-16. Review status: criteria provided, single submitter. Criteria: ARUP Molecular Germline Variant Investigation Process 2024. Collection method: clinical testing. Allele origin: germline.

Ambry Genetics
Classification: Uncertain significance. Last evaluated: 2022-11-18. Review status: criteria provided, single submitter. Criteria: Ambry Variant Classification Scheme 2023. Collection method: clinical testing. Allele origin: germline.